The following is an entry in ClinVar:

ClinVar aggregate classification (germline): Benign (0 of 4 stars; one submission).

Conditions:
NRP1-related disorder. Also called: NRP1-related condition.

Allele frequency attached by ClinVar (database versions not stated): ESP Exome Variant Server 0.24619; gnomAD 0.28018; gnomAD exomes 0.28055; TOPMed 0.28678; ExAC 0.31424; 1000 Genomes Project 30x 0.35447; 1000 Genomes Project 0.35923.
gnomAD v4.1: 452,865 of 1,612,688 alleles (28%); highest among the groups gnomAD compares: East Asian, 63%; 67,897 homozygotes.

Submission:

PreventionGenetics, part of Exact Sciences
Classification: Benign for NRP1-related condition. Last evaluated: 2022-08-01. Review status: no assertion criteria provided. Collection method: clinical testing. Allele origin: germline.
Comment: This variant is classified as benign based on ACMG/AMP sequence variant interpretation guidelines (Richards et al. 2015 PMID: 25741868, with internal and published modifications).

NM_003873.7(NRP1):c.1161C>T (p.Pro387=)

Gene: NRP1 (neuropilin 1; minus strand). Cytogenetic location: 10p11.22.
Variant type: single nucleotide variant.
Coding change: c.1161C>T on transcript NM_003873.7 (MANE Select); coding-DNA position 1161, C replaced by T.
Protein change: p.Pro387=; no amino-acid change (proline 387 retained).
Molecular consequence: synonymous variant. On other transcripts: non-coding transcript variant (1).
Genome position (GRCh38, 1-based): chr10:33,221,840, G>A on the plus strand (C>T on the coding strand, the complement: NRP1 is on the minus strand). VCF-style: chr10-33221840-G-A. GRCh37 (hg19) VCF-style: chr10-33510768-G-A.
Other names: c.1161C>T, p.Pro387= (NM_001024628.3, NM_001024629.3, NM_001244972.2 and 2 more transcripts).
Identifiers: ClinVar variation 3060724 (VCV003060724.2), dbSNP rs2229934, ClinGen allele CA5466710.